The following is an entry in ClinVar:

ClinVar aggregate classification (germline): Uncertain significance. Review status: criteria provided, multiple submitters, no conflicts (2 of 4 stars). 2 submissions from 2 submitters: Uncertain significance (2). Last evaluated 2024-11-18.

Conditions:
Cardiovascular phenotype. Identifiers: MedGen CN230736.

Allele frequency attached by ClinVar (database versions not stated): gnomAD exomes 0.00001.
gnomAD v4.1: 8 of 1,551,692 alleles (0.00052%); highest among the groups gnomAD compares: Non-Finnish European, 0.0007%; 1 homozygote.

Submissions (2):

Ambry Genetics
Classification: Uncertain significance for Cardiovascular phenotype. Last evaluated: 2024-11-18. Review status: criteria provided, single submitter. Criteria: Ambry Variant Classification Scheme 2023. Collection method: clinical testing. Allele origin: germline.
Comment: The p.A691T variant (also known as c.2071G>A), located in coding exon 9 of the RBM20 gene, results from a G to A substitution at nucleotide position 2071. The alanine at codon 691 is replaced by threonine, an amino acid with similar properties. This amino acid position is poorly conserved in available vertebrate species, and threonine is the reference amino acid in other vertebrate species. In addition, this alteration is predicted to be tolerated by in silico analysis. Since supporting evidence is limited at this time, the clinical significance of this alteration remains unclear.

Women's Health and Genetics/Laboratory Corporation of America, LabCorp
Classification: Uncertain significance. Last evaluated: 2023-08-26. Review status: criteria provided, single submitter. Criteria: LabCorp Variant Classification Summary - May 2015. Collection method: clinical testing. Allele origin: germline.

NM_001134363.3(RBM20):c.2071G>A (p.Ala691Thr)

Gene: RBM20 (RNA binding motif protein 20; plus strand). Cytogenetic location: 10q25.2.
Variant type: single nucleotide variant.
Coding change: c.2071G>A on transcript NM_001134363.3 (MANE Select); coding-DNA position 2071, G replaced by A.
Protein change: p.Ala691Thr; replaces alanine 691 with threonine.
Molecular consequence: missense variant.
Genome position (GRCh38, 1-based): chr10:110,812,468, G>A. VCF-style: chr10-110812468-G-A. GRCh37 (hg19) VCF-style: chr10-112572226-G-A.
Other names: c.2071G>A (NM_001134363.2); short protein forms A691T.
Identifiers: ClinVar variation 1785401 (VCV001785401.4), dbSNP rs1844782261, ClinGen allele CA378371302.